The following is an entry in ClinVar:

ClinVar aggregate classification (germline): Likely benign (1 of 4 stars; one submission).

Allele frequency attached by ClinVar (database versions not stated): 1000 Genomes Project 0.00220; 1000 Genomes Project 30x 0.00250; TOPMed 0.00758; gnomAD 0.01003.
gnomAD v4.1: 7,503 of 791,130 alleles (0.95%); highest among the groups gnomAD compares: Non-Finnish European, 1.3%; 55 homozygotes.

Submission:

GeneDx
Classification: Likely benign. Last evaluated: 2018-06-16. Review status: criteria provided, single submitter. Criteria: GeneDx Variant Classification (06012015). Collection method: clinical testing. Allele origin: germline. Affected: yes.
Comment: This variant is considered likely benign or benign based on one or more of the following criteria: it is a conservative change, it occurs at a poorly conserved position in the protein, it is predicted to be benign by multiple in silico algorithms, and/or has population frequency not consistent with disease.

NM_001371727.1(GABRB2):c.458+125C>G

Gene: GABRB2 (gamma-aminobutyric acid type A receptor subunit beta2; minus strand). Cytogenetic location: 5q34.
Variant type: single nucleotide variant.
Coding change: c.458+125C>G on transcript NM_001371727.1 (MANE Select); 125 bases into the intron after coding-DNA position 458, C replaced by G.
Molecular consequence: intron variant.
Genome position (GRCh38, 1-based): chr5:161,459,499, G>C on the plus strand (C>G on the coding strand, the complement: GABRB2 is on the minus strand). VCF-style: chr5-161459499-G-C. GRCh37 (hg19) VCF-style: chr5-160886505-G-C.
Other names: c.458+125C>G (NM_000813.3, NM_021911.3).
Identifiers: ClinVar variation 677317 (VCV000677317.1), dbSNP rs55782657, ClinGen allele CA131034189.